The following is an entry in ClinVar:

ClinVar aggregate classification (germline): Uncertain significance (1 of 4 stars; one submission).

Conditions:
Autosomal recessive spastic paraplegia type 78. Identifiers: Orphanet 513436, MedGen C5567893, MONDO:0014975, OMIM 617225.
Kufor-Rakeb syndrome (KRS). Also called: PARKINSON DISEASE 9, AUTOSOMAL RECESSIVE, JUVENILE-ONSET. Identifiers: Orphanet 306674, Orphanet 314632, MedGen C1847640, MONDO:0011706, OMIM 606693.

gnomAD v4.1: 1 of 1,613,758 alleles (0.000062%); highest among the groups gnomAD compares: East Asian, 0.0022%; no homozygotes.

Submission:

Labcorp Genetics (formerly Invitae), Labcorp
Classification: Uncertain significance for Kufor-Rakeb syndrome; Autosomal recessive spastic paraplegia type 78. Last evaluated: 2022-06-22. Review status: criteria provided, single submitter. Criteria: Invitae Variant Classification Sherloc (09022015). Collection method: clinical testing. Allele origin: germline.
Comment: In summary, the available evidence is currently insufficient to determine the role of this variant in disease. Therefore, it has been classified as a Variant of Uncertain Significance. Algorithms developed to predict the effect of sequence changes on RNA splicing suggest that this variant may create or strengthen a splice site. This variant has not been reported in the literature in individuals affected with ATP13A2-related conditions. This variant is not present in population databases (gnomAD no frequency). This sequence change falls in intron 20 of the ATP13A2 gene. It does not directly change the encoded amino acid sequence of the ATP13A2 protein.

NM_022089.4(ATP13A2):c.2252-12C>G

Gene: ATP13A2 (ATPase cation transporting 13A2; minus strand). Cytogenetic location: 1p36.13.
Variant type: single nucleotide variant.
Coding change: c.2252-12C>G on transcript NM_022089.4 (MANE Select); 12 bases into the intron before coding-DNA position 2252, C replaced by G.
Molecular consequence: intron variant.
Genome position (GRCh38, 1-based): chr1:16,990,299, G>C on the plus strand (C>G on the coding strand, the complement: ATP13A2 is on the minus strand). VCF-style: chr1-16990299-G-C. GRCh37 (hg19) VCF-style: chr1-17316794-G-C.
Other names: c.2237-12C>G (NM_001141974.3, NM_001141973.3).
Identifiers: ClinVar variation 2043177 (VCV002043177.4), dbSNP rs56268651, ClinGen allele CA999086993.